The following is an entry in ClinVar:

NM_001903.5(CTNNA1):c.1070G>T (p.Arg357Leu)

Gene: CTNNA1 (catenin alpha 1; plus strand). Cytogenetic location: 5q31.2.
Variant type: single nucleotide variant.
Coding change: c.1070G>T on transcript NM_001903.5 (MANE Select); coding-DNA position 1070, G replaced by T.
Protein change: p.Arg357Leu; replaces arginine 357 with leucine.
Molecular consequence: missense variant. On other transcripts: 5 prime UTR variant (26), intron variant (2).
Genome position (GRCh38, 1-based): chr5:138,886,219, G>T. VCF-style: chr5-138886219-G-T. GRCh37 (hg19) VCF-style: chr5-138221908-G-T.
Other names: c.1070G>T (NM_001903.2); c.-41G>T (NM_001324002.1, NM_001324003.1, NM_001324004.1 and 18 more transcripts); c.-438G>T (NM_001324006.1, NM_001324007.1, NM_001324008.1 and 1 more transcripts); c.-313G>T (NM_001324013.1); c.-58+10622G>T (NM_001324012.1); c.-61+10622G>T (NM_001324010.1); c.1070G>T, p.Arg357Leu (NM_001290307.3, NM_001323982.2, NM_001323983.1 and 3 more transcripts); c.761G>T, p.Arg254Leu (NM_001290309.3); and 1 more; short protein forms R234L, R254L, R357L.
Identifiers: ClinVar variation 2743409 (VCV002743409.4), dbSNP rs192686066, ClinGen allele CA361132476.

ClinVar aggregate classification (germline): Uncertain significance. Review status: criteria provided, multiple submitters, no conflicts (2 of 4 stars). 2 submissions from 2 submitters: Uncertain significance (2). Last evaluated 2026-03-16.

Conditions:
Hereditary cancer-predisposing syndrome. Also called: Tumor predisposition; Hereditary neoplastic syndrome; Neoplastic Syndromes, Hereditary; Hereditary Cancer Syndrome. Identifiers: Orphanet 140162, MedGen C0027672, MeSH D009386, MONDO:0015356.

Submissions (2):

Ambry Genetics
Classification: Uncertain significance for Hereditary cancer-predisposing syndrome. Last evaluated: 2026-03-16. Review status: criteria provided, single submitter. Criteria: Ambry Variant Classification Scheme 2023. Collection method: clinical testing. Allele origin: germline.
Comment: The p.R357L variant (also known as c.1070G>T), located in coding exon 7 of the CTNNA1 gene, results from a G to T substitution at nucleotide position 1070. The arginine at codon 357 is replaced by leucine, an amino acid with dissimilar properties. This amino acid position is conserved. In addition, this alteration is predicted to be deleterious by in silico analysis. Based on the available evidence, the clinical significance of this variant remains unclear.

Labcorp Genetics (formerly Invitae), Labcorp
Classification: Uncertain significance. Last evaluated: 2023-07-15. Review status: criteria provided, single submitter. Criteria: Invitae Variant Classification Sherloc (09022015). Collection method: clinical testing. Allele origin: germline.
Comment: Advanced modeling of protein sequence and biophysical properties (such as structural, functional, and spatial information, amino acid conservation, physicochemical variation, residue mobility, and thermodynamic stability) performed at Invitae indicates that this missense variant is not expected to disrupt CTNNA1 protein function. This sequence change replaces arginine, which is basic and polar, with leucine, which is neutral and non-polar, at codon 357 of the CTNNA1 protein (p.Arg357Leu). This variant is not present in population databases (gnomAD no frequency). This variant has not been reported in the literature in individuals affected with CTNNA1-related conditions. In summary, the available evidence is currently insufficient to determine the role of this variant in disease. Therefore, it has been classified as a Variant of Uncertain Significance.